The following is an entry in ClinVar:

ClinVar aggregate classification (germline): Likely benign. Review status: criteria provided, multiple submitters, no conflicts (2 of 4 stars). 6 submissions from 6 submitters: Likely benign (6). Last evaluated 2026-01-26.

Conditions:
Inborn genetic diseases. Identifiers: MedGen C0950123, MeSH D030342.
Intellectual disability. Also called: Intellectual functioning disability; intellectual disabilities; Intellectual developmental disorder. Identifiers: MedGen C3714756, MeSH D008607, MONDO:0001071, HP:0001249.

Allele frequency attached by ClinVar (database versions not stated): 1000 Genomes Project 0.00060; 1000 Genomes Project 30x 0.00062; gnomAD exomes 0.00063 and 0.00080; gnomAD 0.00070 and 0.00075; ESP Exome Variant Server 0.00084; TOPMed 0.00096; ExAC 0.00101.
gnomAD v4.1: 1,277 of 1,598,916 alleles (0.08%); highest among the groups gnomAD compares: Non-Finnish European, 0.096%; 3 homozygotes.

Submissions (6):

Labcorp Genetics (formerly Invitae), Labcorp
Classification: Likely benign. Last evaluated: 2026-01-26. Review status: criteria provided, single submitter. Criteria: Invitae Variant Classification Sherloc (09022015). Collection method: clinical testing. Allele origin: germline.

Mayo Clinic Laboratories, Mayo Clinic
Classification: Likely benign. Last evaluated: 2025-02-19. Review status: criteria provided, single submitter. Criteria: ACMG Guidelines, 2015. Collection method: clinical testing. Allele origin: germline. Observed: 2 variant alleles.
Comment: BS1, BP4_moderate

Blueprint Genetics
Classification: Likely benign. Last evaluated: 2024-09-02. Review status: criteria provided, single submitter. Criteria: ACMG Guidelines, 2015. Collection method: clinical testing. Allele origin: germline.

Ambry Genetics
Classification: Likely benign for Inborn genetic diseases. Last evaluated: 2023-02-06. Review status: criteria provided, single submitter. Criteria: Ambry Variant Classification Scheme 2023. Collection method: clinical testing. Allele origin: germline.

Genetic Services Laboratory, University of Chicago
Classification: Likely benign. Last evaluated: 2021-09-28. Review status: criteria provided, single submitter. Criteria: ACMG Guidelines, 2015. Collection method: clinical testing. Allele origin: germline. Affected: no.

Cambridge Genomics Laboratory, East Genomic Laboratory Hub, NHS Genomic Medicine Service
Classification: Likely benign for Intellectual disability. Last evaluated: 2020-02-07. Review status: criteria provided, single submitter. Criteria: ACGS Best Practice Guidelines for Variant Classification in Rare Disease 2020. Collection method: clinical testing. Allele origin: germline. Affected: yes. Observed: 1 variant allele.

NM_001080414.4(CCDC88C):c.5906C>T (p.Pro1969Leu)

Gene: CCDC88C (coiled-coil and HOOK domain protein 88C; minus strand). Cytogenetic location: 14q32.11.
Variant type: single nucleotide variant.
Coding change: c.5906C>T on transcript NM_001080414.4 (MANE Select); coding-DNA position 5906, C replaced by T.
Protein change: p.Pro1969Leu; replaces proline 1969 with leucine.
Molecular consequence: missense variant.
Genome position (GRCh38, 1-based): chr14:91,272,806, G>A on the plus strand (C>T on the coding strand, the complement: CCDC88C is on the minus strand). VCF-style: chr14-91272806-G-A. GRCh37 (hg19) VCF-style: chr14-91739150-G-A.
Other names: p.Pro1969Leu; short protein forms P1969L.
Identifiers: ClinVar variation 1337020 (VCV001337020.12), dbSNP rs138924295, ClinGen allele CA7308562.